The following is an entry in ClinVar:

NM_022051.3(EGLN1):c.15CGGCGGGCC[1] (p.6GGP[1])

Gene: EGLN1 (egl-9 family hypoxia inducible factor 1; minus strand). Cytogenetic location: 1q42.2.
Variant type: Microsatellite.
Coding change: c.15CGGCGGGCC[1] on transcript NM_022051.3 (MANE Select); one copy of the 9-base unit CGGCGGGCC starting at c.15; the reference has two copies in a row; one copy, 9 bases deleted.
Protein change: p.6GGP[1].
Molecular consequence: inframe deletion.
Genome position (GRCh38, 1-based): chr1:231,421,857-231,421,865, GGCCCGCCG deleted on the plus strand (CGGCGGGCC on the coding strand, the reverse complement: EGLN1 is on the minus strand); deleting any 9 consecutive bases within chr1:231,421,857-231,421,874 gives the same sequence; the position shown is the placement nearest the transcript's 3' end. VCF-style (leftmost placement, unchanged base first): chr1-231421856-CGGCCCGCCG-C. GRCh37 (hg19) VCF-style: chr1-231557602-CGGCCCGCCG-C.
Other names: c.15CGGCGGGCC[1], p.6GGP[1] (NM_001377260.1, NM_001377261.1).
Identifiers: ClinVar variation 2078739 (VCV002078739.4), dbSNP rs996072419, ClinGen allele CA732760868.

ClinVar aggregate classification (germline): Uncertain significance (1 of 4 stars; one submission).

Conditions:
Erythrocytosis, familial, 3 (ECYT3). Identifiers: Orphanet 247511, MedGen C1853286, MONDO:0012353, OMIM 609820.

Submission:

Labcorp Genetics (formerly Invitae), Labcorp
Classification: Uncertain significance for Erythrocytosis, familial, 3. Last evaluated: 2025-05-02. Review status: criteria provided, single submitter. Criteria: Invitae Variant Classification Sherloc (09022015). Collection method: clinical testing. Allele origin: germline.
Comment: This variant, c.24_32del, results in the deletion of 3 amino acid(s) of the EGLN1 protein (p.Gly9_Pro11del), but otherwise preserves the integrity of the reading frame. This variant is not present in population databases (gnomAD no frequency). This variant has not been reported in the literature in individuals affected with EGLN1-related conditions. Experimental studies and prediction algorithms are not available or were not evaluated, and the functional significance of this variant is currently unknown. In summary, the available evidence is currently insufficient to determine the role of this variant in disease. Therefore, it has been classified as a Variant of Uncertain Significance.